The following is an entry in ClinVar:

NM_015896.4(ZMYND10):c.318G>A (p.Val106=)

Gene: ZMYND10 (zinc finger MYND-type containing 10; minus strand). Cytogenetic location: 3p21.31.
Variant type: single nucleotide variant.
Coding change: c.318G>A on transcript NM_015896.4 (MANE Select); coding-DNA position 318, G replaced by A.
Protein change: p.Val106=; no amino-acid change (valine 106 retained).
Molecular consequence: synonymous variant.
Genome position (GRCh38, 1-based): chr3:50,343,734, C>T on the plus strand (G>A on the coding strand, the complement: ZMYND10 is on the minus strand). VCF-style: chr3-50343734-C-T. GRCh37 (hg19) VCF-style: chr3-50381165-C-T.
Other names: c.318G>A, p.Val106= (NM_001308379.2).
Identifiers: ClinVar variation 566329 (VCV000566329.6), dbSNP rs1559851686, ClinGen allele CA433865832.

ClinVar aggregate classification (germline): Uncertain significance (1 of 4 stars; one submission).

Conditions:
Primary ciliary dyskinesia. Also called: Ciliary dyskinesia. Identifiers: Orphanet 244, MedGen C0008780, MONDO:0016575, HP:0012265.

Allele frequency attached by ClinVar (database versions not stated): gnomAD exomes below 0.00001; TOPMed below 0.00001; gnomAD 0.00001.
gnomAD v4.1: 2 of 1,614,004 alleles (0.00012%); highest among the groups gnomAD compares: South Asian, 0.0011%; no homozygotes.

Submission:

Labcorp Genetics (formerly Invitae), Labcorp
Classification: Uncertain significance for Primary ciliary dyskinesia. Last evaluated: 2018-02-18. Review status: criteria provided, single submitter. Criteria: Invitae Variant Classification Sherloc (09022015). Collection method: clinical testing. Allele origin: germline.
Comment: In summary, the available evidence is currently insufficient to determine the role of this variant in disease. Therefore, it has been classified as a Variant of Uncertain Significance. Nucleotide substitutions within the consensus splice site are a relatively common cause of aberrant splicing (PMID: 17576681, 9536098). Algorithms developed to predict the effect of sequence changes on RNA splicing suggest that this variant may disrupt the consensus splice site, but this prediction has not been confirmed by published transcriptional studies. This variant has not been reported in the literature in individuals with ZMYND10-related disease. This variant is not present in population databases (ExAC no frequency). This sequence change affects codon 106 of the ZMYND10 mRNA. It is a 'silent' change, meaning that it does not change the encoded amino acid sequence of the ZMYND10 protein. This variant also falls at the last nucleotide of exon 3 of the ZMYND10 coding sequence, which is part of the consensus splice site for this exon.

Literature cited by the submitters: PubMed 17576681; PubMed 9536098.